The following is an entry in ClinVar:

NM_022041.4(GAN):c.1382C>A (p.Ala461Glu)

Gene: GAN (gigaxonin; plus strand). Cytogenetic location: 16q23.2.
Variant type: single nucleotide variant.
Coding change: c.1382C>A on transcript NM_022041.4 (MANE Select); coding-DNA position 1382, C replaced by A.
Protein change: p.Ala461Glu; replaces alanine 461 with glutamic acid.
Molecular consequence: missense variant.
Genome position (GRCh38, 1-based): chr16:81,365,358, C>A. VCF-style: chr16-81365358-C-A. GRCh37 (hg19) VCF-style: chr16-81398963-C-A.
Other names: c.743C>A, p.Ala248Glu (NM_001377486.1); short protein forms A461E, A248E.
Identifiers: ClinVar variation 533932 (VCV000533932.8), dbSNP rs753748994, ClinGen allele CA396891273.

ClinVar aggregate classification (germline): Uncertain significance (1 of 4 stars; one submission).

Conditions:
Giant axonal neuropathy 1 (GAN1). Also called: GAN-Related Neurodegeneration; GIANT AXONAL NEUROPATHY 1, AUTOSOMAL RECESSIVE. Identifiers: Orphanet 643, MedGen C1850386, MONDO:0009749, OMIM 256850.

Submission:

Labcorp Genetics (formerly Invitae), Labcorp
Classification: Uncertain significance for Giant axonal neuropathy 1. Last evaluated: 2017-08-06. Review status: criteria provided, single submitter. Criteria: Invitae Variant Classification Sherloc (09022015). Collection method: clinical testing. Allele origin: germline.
Comment: In summary, the available evidence is currently insufficient to determine the role of this variant in disease. Therefore, it has been classified as a Variant of Uncertain Significance. Algorithms developed to predict the effect of missense changes on protein structure and function do not agree on the potential impact of this missense change (SIFT: "Tolerated"; PolyPhen-2: "Possibly Damaging"; Align-GVGD: "Class C0"). This variant has not been reported in the literature in individuals with GAN-related disease. This variant is not present in population databases (ExAC no frequency). This sequence change replaces alanine with glutamic acid at codon 461 of the GAN protein (p.Ala461Glu). The alanine residue is moderately conserved and there is a moderate physicochemical difference between alanine and glutamic acid.